The following is an entry in ClinVar:

ClinVar aggregate classification (germline): Likely benign. Review status: criteria provided, multiple submitters, no conflicts (2 of 4 stars). 4 submissions from 4 submitters: Likely benign (3). 1 of the submissions does not count toward it. Last evaluated 2025-11-25.

Conditions:
Senior-Loken syndrome 4 (SLSN4). Identifiers: Orphanet 3156, MedGen C1846979, MONDO:0011756, OMIM 606996.
Nephronophthisis 4 (NPHP4). Also called: NEPHRONOPHTHISIS 4, JUVENILE. Identifiers: Orphanet 655, MedGen C1847013, MONDO:0011752, OMIM 606966.
NPHP4-related disorder. Also called: NPHP4-related disorders; NPHP4-related condition. Identifiers: MedGen CN239384.
Nephronophthisis. Also called: Juvenile Nephronophthisis. Identifiers: Orphanet 655, MedGen C0687120, MONDO:0019005, HP:0000090.
Inborn genetic diseases. Identifiers: MedGen C0950123, MeSH D030342.

Allele frequency attached by ClinVar (database versions not stated): gnomAD exomes 0.00005 and 0.00009; gnomAD 0.00007; ESP Exome Variant Server 0.00008; TOPMed 0.00009; ExAC 0.00019; 1000 Genomes Project 0.00020; 1000 Genomes Project 30x 0.00031.
gnomAD v4.1: 79 of 1,597,726 alleles (0.0049%); highest among the groups gnomAD compares: Admixed American, 0.028%; no homozygotes.

Submissions (4):

Labcorp Genetics (formerly Invitae), Labcorp
Classification: Likely benign for Nephronophthisis. Last evaluated: 2025-11-25. Review status: criteria provided, single submitter. Criteria: Invitae Variant Classification Sherloc (09022015). Collection method: clinical testing. Allele origin: germline.

Ambry Genetics
Classification: Likely benign for Inborn genetic diseases. Last evaluated: 2025-02-06. Review status: criteria provided, single submitter. Criteria: Ambry Variant Classification Scheme 2023. Collection method: clinical testing. Allele origin: germline.

Fulgent Genetics
Classification: Likely benign for Nephronophthisis 4; Senior-Loken syndrome 4. Last evaluated: 2021-09-20. Review status: criteria provided, single submitter. Criteria: ACMG Guidelines, 2015. Collection method: clinical testing. Allele origin: unknown.

PreventionGenetics, part of Exact Sciences
Classification: Likely benign for NPHP4-related condition. Last evaluated: 2021-07-12. Review status: no assertion criteria provided. Collection method: clinical testing. Allele origin: germline. Not counted in ClinVar's aggregate classification.
Comment: This variant is classified as likely benign based on ACMG/AMP sequence variant interpretation guidelines (Richards et al. 2015 PMID: 25741868, with internal and published modifications).

NM_015102.5(NPHP4):c.675C>T (p.Gly225=)

Gene: NPHP4 (nephrocystin 4; minus strand). Cytogenetic location: 1p36.31.
Variant type: single nucleotide variant.
Coding change: c.675C>T on transcript NM_015102.5 (MANE Select); coding-DNA position 675, C replaced by T.
Protein change: p.Gly225=; no amino-acid change (glycine 225 retained).
Molecular consequence: synonymous variant. On other transcripts: 5 prime UTR variant (1), non-coding transcript variant (1), intron variant (1).
Genome position (GRCh38, 1-based): chr1:5,952,835, G>A on the plus strand (C>T on the coding strand, the complement: NPHP4 is on the minus strand). VCF-style: chr1-5952835-G-A. GRCh37 (hg19) VCF-style: chr1-6012895-G-A.
Other names: c.-692C>T (NM_001291594.2); c.-556-4584C>T (NM_001291593.2); c.675C>T (NM_015102.3, NM_015102.4).
Identifiers: ClinVar variation 1153882 (VCV001153882.13), dbSNP rs200203766, ClinGen allele CA554756.